The following is an entry in ClinVar:

NM_001371246.1(SCN2A):c.623T>C (p.Val208Ala)

Gene: SCN2A (sodium voltage-gated channel alpha subunit 2; plus strand). Cytogenetic location: 2q24.3.
Variant type: single nucleotide variant.
Coding change: c.623T>C on transcript NM_001371246.1 (MANE Plus Clinical); coding-DNA position 623, T replaced by C.
Protein change: p.Val208Ala; replaces valine 208 with alanine.
Molecular consequence: missense variant. On other transcripts: intron variant (3).
Genome position (GRCh38, 1-based): chr2:165,309,182, T>C. VCF-style: chr2-165309182-T-C. GRCh37 (hg19) VCF-style: chr2-166165692-T-C.
Other names: c.623T>C, p.Val208Ala (NM_001040143.2); c.606-170T>C (NM_001040142.2, NM_001371247.1, NM_021007.3); short protein forms V208A.
Identifiers: ClinVar variation 870188 (VCV000870188.2), dbSNP rs1697298069, ClinGen allele CA349016934.

ClinVar aggregate classification (germline): Uncertain significance. Review status: criteria provided, multiple submitters, no conflicts (2 of 4 stars). 2 submissions from 2 submitters: Uncertain significance (2). Last evaluated 2025-09-13.

Conditions:
Developmental and epileptic encephalopathy, 11 (DEE11). Also called: Early infantile epileptic encephalopathy 11. Identifiers: Orphanet 1934, MedGen C3150987, MONDO:0013388, OMIM 613721.

Submissions (2):

3billion
Classification: Uncertain significance for Developmental and epileptic encephalopathy, 11. Last evaluated: 2025-09-13. Review status: criteria provided, single submitter. Criteria: ACMG Guidelines, 2015. Collection method: clinical testing. Allele origin: germline. Affected: yes.
Comment: The variant is not observed in the gnomAD v4.1.0 dataset. Predicted Consequence/Location: Missense variant In silico tool predictions suggest damaging effect of the variant on gene or gene product [REVEL: 0.77 (>=0.6, sensitivity 0.68 and specificity 0.92); 3Cnet: 0.99 (> 0.75, sensitivity 0.96 and precision 0.92)]. The variant has been reported as of uncertain significance (ClinVar ID: VCV000870188). Therefore, this variant is classified as VUS according to the recommendation of ACMG/AMP guideline.

Laboratory of Inherited Metabolic Diseases, Research centre for medical genetics
Classification: Uncertain significance for Developmental and epileptic encephalopathy, 11. Last evaluated: 2020-02-14. Review status: criteria provided, single submitter. Criteria: ACMG Guidelines, 2015. Collection method: clinical testing. Allele origin: unknown. Inheritance: Autosomal dominant inheritance. Affected: yes.